The following is an entry in ClinVar:

NM_007294.4(BRCA1):c.115T>C (p.Cys39Arg)

Gene: BRCA1 (BRCA1 DNA repair associated; minus strand). Cytogenetic location: 17q21.31.
Variant type: single nucleotide variant.
Coding change: c.115T>C on transcript NM_007294.4 (MANE Select); coding-DNA position 115, T replaced by C.
Protein change: p.Cys39Arg; replaces cysteine 39 with arginine.
Molecular consequence: missense variant. On other transcripts: non-coding transcript variant (1), intron variant (1).
Genome position (GRCh38, 1-based): chr17:43,115,745, A>G on the plus strand (T>C on the coding strand, the complement: BRCA1 is on the minus strand). VCF-style: chr17-43115745-A-G. GRCh37 (hg19) VCF-style: chr17-41267762-A-G.
Other names: 234T>C; c.-74T>C (NM_001407571.1, NM_001407853.1, NM_001407879.1 and 52 more transcripts); c.115T>C, p.Cys39Arg (NM_001407581.1, NM_001407582.1, NM_001407583.1 and 192 more transcripts); c.-143T>C (NM_001407694.1, NM_001407696.1, NM_001407724.1 and 13 more transcripts); c.-147T>C (NM_001407695.1, NM_001408465.1); c.-27T>C (NM_001407697.1, NM_001407725.1, NM_001407728.1 and 47 more transcripts); c.-23T>C (NM_001407841.1); c.-190T>C (NM_001407889.1, NM_001407900.1, NM_001408492.1); and 3 more; short protein forms C39R.
Identifiers: ClinVar variation 54152 (VCV000054152.31), dbSNP rs80357164, ClinGen allele CA000766.

ClinVar aggregate classification (germline): Pathogenic. Review status: reviewed by expert panel (3 of 4 stars). 17 submissions from 17 submitters: Pathogenic (1). 16 of the submissions do not count toward it. Last evaluated 2015-08-10.

Conditions:
Hereditary cancer-predisposing syndrome. Also called: Tumor predisposition; Neoplastic Syndromes, Hereditary; Hereditary Cancer Syndrome; Hereditary neoplastic syndrome. Identifiers: Orphanet 140162, MedGen C0027672, MeSH D009386, MONDO:0015356.
Breast and/or ovarian cancer. Identifiers: MedGen CN221562.
Hereditary breast ovarian cancer syndrome. Also called: Hereditary breast and ovarian cancer syndrome (HBOC); Hereditary breast and ovarian cancer syndrome; Hereditary breast and ovarian cancer; Hereditary breast and/or ovarian cancer syndrome; Breast and ovarian cancer; BRCA1- and BRCA2-Associated Hereditary Breast and Ovarian Cancer. Identifiers: Orphanet 145, MedGen C0677776, MeSH D061325, MONDO:0003582. Disease mechanism: loss of function.
Breast-ovarian cancer, familial, susceptibility to, 1 (BROVCA1). Also called: OVARIAN CANCER, SUSCEPTIBILITY TO; BRCA1 Hereditary Breast and Ovarian Cancer. Identifiers: Orphanet 145, MedGen C2676676, MONDO:0011450, OMIM 604370. Disease mechanism: loss of function.

Allele frequency attached by ClinVar (database versions not stated): gnomAD exomes below 0.00001.
gnomAD v4.1: 1 of 1,613,730 alleles (0.000062%); highest among the groups gnomAD compares: Non-Finnish European, 0.000085%; no homozygotes.

Submissions 1 to 6 of 18:

Evidence-based Network for the Interpretation of Germline Mutant Alleles (ENIGMA)
Classification: Pathogenic for Breast-ovarian cancer, familial 1. Last evaluated: 2015-08-10. Review status: reviewed by expert panel. Criteria: ENIGMA BRCA1/2 Classification Criteria (2015). Collection method: curation. Allele origin: germline.
Comment: IARC class based on posterior probability from multifactorial likelihood analysis, thresholds for class as per Plon et al. 2008 (PMID: 18951446). Class 5 based on posterior probability = 0.99

Ambry Genetics
Classification: Pathogenic for Hereditary cancer-predisposing syndrome. Last evaluated: 2025-11-13. Review status: criteria provided, single submitter. Criteria: Ambry Variant Classification Scheme 2023. Collection method: clinical testing. Allele origin: germline. Not counted in ClinVar's aggregate classification.
Comment: The p.C39R pathogenic mutation (also known as c.115T>C), located in coding exon 2 of the BRCA1 gene, results from a T to C substitution at nucleotide position 115. The cysteine at codon 39 is replaced by arginine, an amino acid with highly dissimilar properties. This variant was reported in individuals with features consistent with hereditary breast and/or ovarian cancer syndrome (Rostagno P et al. J. Hum. Genet., 2003 Jul;48:362-6; Machackova E et al. BMC Cancer, 2008 May;8:140; Konecny M et al. Breast Cancer Res. Treat., 2011 Feb;126:119-30). One functional study found that this nucleotide substitution is deleterious in a high throughput genome editing haploid cell survival assay (Findlay GM et al. Nature, 2018 10;562:217-222). One other functional study has demonstrated that p.C39R causes abolishment and decreased activity of ubiquitin protein ligase function in the BRCA1 RING finger in vitro (Morris JR et al. Hum. Mol. Genet., 2006 Feb;15:599-606). Additional functional studies using yeast assays have shown that this mutation results in deficient protein compared to wild-type BRCA1 (Thouvenot P et al. PLoS Genet., 2016 06;12:e1006096). The p.C39R alteration is located in a critical region of the BRCA1 protein RING domain, and, along with other alterations at this codon including p.C39Y and p.C39S, has been shown to alter the structure of the RING domain and negatively impact protein function and binding (Ruffner H et al. Proc Natl Acad Sci U S A. 2001 Apr 24;98(9):5134-9; Brzovic PS et al. Proc Natl Acad Sci USA. 2003 May;100(10):5646-51; Ransburgh DJ et al. Cancer Res. 2010 Feb 1;70(3):988-95; Sweet K et al. Breast Cancer Res Treat. 2010 Feb;119(3):737-43). This amino acid position is highly conserved in available vertebrate species. In addition, this alteration is predicted to be deleterious by in silico analysis. Of note, this alteration has also been designated as 234T>C in published literature. Based on the supporting evidence to date, this alteration is interpreted as a disease-causing mutation.

Labcorp Genetics (formerly Invitae), Labcorp
Classification: Pathogenic for Hereditary breast ovarian cancer syndrome. Last evaluated: 2025-02-26. Review status: criteria provided, single submitter. Criteria: Invitae Variant Classification Sherloc (09022015). Collection method: clinical testing. Allele origin: germline. Not counted in ClinVar's aggregate classification.
Comment: This sequence change replaces cysteine, which is neutral and slightly polar, with arginine, which is basic and polar, at codon 39 of the BRCA1 protein (p.Cys39Arg). This variant is not present in population databases (gnomAD no frequency). This missense change has been observed in individual(s) with breast and/or ovarian cancer (PMID: 12827452, 15024741, 18489799, 21203900, 26822949). ClinVar contains an entry for this variant (Variation ID: 54152). Invitae Evidence Modeling incorporating data from in vitro experimental studies (PMID: 30209399) indicates that this missense variant is expected to disrupt BRCA1 function with a positive predictive value of 95%. Experimental studies have shown that this missense change affects BRCA1 function (PMID: 12732733, 16403807, 22843421, 24489791, 25823446). This variant disrupts the p.Cys39 amino acid residue in BRCA1. Other variant(s) that disrupt this residue have been determined to be pathogenic (PMID: 9808526, 11320250, 17262179, 18500671, 19504351, 23683081, 25823446). This suggests that this residue is clinically significant, and that variants that disrupt this residue are likely to be disease-causing. For these reasons, this variant has been classified as Pathogenic.

All of Us Research Program, National Institutes of Health
Classification: Pathogenic for Breast-ovarian cancer, familial, susceptibility to, 1. Last evaluated: 2024-01-08. Review status: criteria provided, single submitter. Criteria: ACMG Guidelines, 2015. Collection method: clinical testing. Allele origin: germline. Inheritance: Autosomal dominant inheritance. Observed: 1 variant allele, 1 heterozygote. Not counted in ClinVar's aggregate classification.
Comment: This missense variant replaces a conserved cysteine with arginine at codon 39 in the RING domain of the BRCA1 protein. Computational prediction suggests that this variant may have deleterious impact on protein structure and function (internally defined REVEL score threshold >= 0.7, PMID: 27666373).Functional studies have reported that this variant impacts BRCA1 function in ubiquitin ligase, homology-directed repair, haploid cell proliferation assays and binding assays to known protein-protein interacting partners (PMID: 16403807, 25823446, 30209399, 30219179, 37168384). This variant has been reported in over 10 individuals and families affected with breast and/or ovarian cancer (PMID: 12827452, 15024741, 17319787, 18489799, 19543972, 26757417, 30287823). Several different missense substitutions at p.Cys39 has been reported as disease-causing in ClinVar (variation ID: 37392, 37393, 54151, 54153, 267497). This variant has not been identified in the general population by the Genome Aggregation Database (gnomAD). Based on the available evidence, this variant is classified as Pathogenic.

This study involves interpretation of variants in research participants for the purpose of population health screening. Participant phenotype was not available at the time of variant classification. Additional details can be found in publication PMID: 35346344, PMCID: PMC8962531

GeneDx
Classification: Pathogenic. Last evaluated: 2023-10-03. Review status: criteria provided, single submitter. Criteria: GeneDx Variant Classification Process June 2021. Collection method: clinical testing. Allele origin: germline. Affected: yes. Not counted in ClinVar's aggregate classification.
Comment: Published functional studies demonstrate a damaging effect: impairs E2 and BARD1 binding and reduces E3 ubiquitin ligase activity (Morris et al., 2006; Starita et al., 2015); Not observed at significant frequency in large population cohorts (gnomAD); Observed in individuals with Hereditary Breast and Ovarian Cancer syndrome (Rostagno et al., 2003; Machackova et al., 2008; Sweet et al., 2010; Konecny et al., 2011; Lhota et al., 2016; Ng et al., 2016; Wen et al., 2018); In silico analysis supports that this missense variant has a deleterious effect on protein structure/function; Also known as 234T>C; Truncating variants in this gene are considered pathogenic by a well-established clinical consortium and/or database; This variant is associated with the following publications: (PMID: 15235020, 22753008, 26822949, 26757417, 18493658, 30040829, 29884136, 21990134, 15024741, 18489799, 24489791, 21203900, 12827452, 27272900, 16403807, 25823446, 19543972, 30209399, 29446198, 28993434, 33087888, 24389207, 20104584, 8944023)

Sema4
Classification: Pathogenic for Hereditary cancer-predisposing syndrome. Last evaluated: 2021-04-05. Review status: criteria provided, single submitter. Criteria: Sema4 Curation Guidelines. Collection method: curation. Allele origin: germline. Not counted in ClinVar's aggregate classification.
Comment: The BRCA1 c.115T>C (p.Cys39Arg) variant has been reported in heterozygosity in numerous families and individuals with hereditary breast and/or ovarian cancer (PMID: 12827452, 18489799, 21203900, 28993434). This variant was not observed in the Genome Aggregation Database (PMID: 32461654). This variant has been reported in ClinVar (Variation ID: 54152). In silico tools suggest the impact of the variant on protein function is deleterious. A different pathogenic missense change at this codon, c.116G>A (p.C39Y), has been reported in individuals affected with hereditary breast and/or ovarian cancer (PMID: 9808526, 22923021, 21232165, 22752604). Based on the current evidence available, this variant is interpreted as pathogenic.